The following is an entry in ClinVar:

ClinVar aggregate classification (germline): Likely pathogenic (3 of 4 stars; one submission).

Conditions:
Creatine transporter deficiency (CCDS1). Also called: Mental retardation , X-linked with seizures, short stature and midface hypoplasia; Mental retardation , X-linked, with creatine transport deficiency; X-linked creatine transporter deficiency; X-linked creatine deficiency syndrome; SLC6A8-Related Creatine Transporter Deficiency; CREATINE TRANSPORTER DEFECT. Identifiers: Orphanet 52503, MedGen C1845862, MONDO:0010305, OMIM 300352.

Submission:

ClinGen Cerebral Creatine Deficiency Syndromes Variant Curation Expert Panel, ClinGen
Classification: Likely pathogenic for Creatine transporter deficiency. Last evaluated: 2026-04-28. Review status: reviewed by expert panel. Criteria: ClinGen_CCDS_ACMG_Specifications_SLC6A8_v1.1. Collection method: curation. Allele origin: germline. Inheritance: X-linked inheritance.
Comment: The NM_005629.4:c.1432dup variant in SLC6A8 is a frameshift variant predicted to cause a premature stop codon in biologically relevant exon 11/13 in a gene in which loss of function is an established disease mechanism (p.Ala478GlyfsTer24) (PVS1). This variant has not been reported in the published literature in individuals with creatine transporter deficiency. The variant is absent in gnomAD v4.1.0.. (PM2_Supporting). The classification of this variant has been upgraded from Variant of Uncertain Significance to Likely Pathogenic based on the recommendations of the ClinGen Sequence Variant Interpretation Working Group, that a variant meeting PVS1 and PM2_Supporting is classified as Likely Pathogenic. SLC6A8-specific criteria applied, as specified by the ClinGen Cerebral Creatine Deficiency Syndromes Variant Curation Expert Panel (Specifications Version 1.2.0): PVS1, PM2_Supporting. (Classification approved by the ClinGen Cerebral Creatine Deficiency Syndromes Variant Curation Expert Panel on April 28, 2026)

NM_005629.4(SLC6A8):c.1432dup (p.Ala478fs)

Gene: SLC6A8 (solute carrier family 6 member 8; plus strand). Cytogenetic location: Xq28.
Variant type: Duplication.
Coding change: c.1432dup on transcript NM_005629.4 (MANE Select); coding-DNA position 1432, one base duplicated (G; older notation c.1432dupG).
Protein change: p.Ala478fs; shifts the reading frame from alanine 478.
Molecular consequence: frameshift variant.
Genome position (GRCh38, 1-based): chrX:153,694,383, G duplicated; the last of 2 consecutive G bases (chrX:153,694,382-153,694,383); duplicating either gives the same sequence. VCF-style (leftmost placement, unchanged base first): chrX-153694381-C-CG. GRCh37 (hg19) VCF-style: chrX-152959836-C-CG.
Other names: NM_001142805.2:c.1402dup; c.1402dup, p.Ala468fs (NM_001142805.2); c.1087dup, p.Ala363fs (NM_001142806.1); short protein forms A363fs, A468fs, A478fs.
Identifiers: ClinVar variation 3066439 (VCV003066439.2), dbSNP rs2522167459, ClinGen allele CA2582119824.
Genomic context (GRCh38, chrX:153,694,381, plus strand): 5'-CCTGACTGGGCTCTGTCCCCCAGGGCGGGATGTACGTCTTCCAGCTGTTTGACTACTACT[C>CG]GGCCAGCGGCACCACCCTGCTCTGGCAGGCCTTTTGGGAGTGCGTGGTGGTGGCCTGGGT-3'